The following is an entry in ClinVar:

ClinVar aggregate classification (germline): Likely pathogenic (1 of 4 stars; one submission).

Conditions:
Polycystic kidney disease 4 (PKD4). Also called: POLYCYSTIC KIDNEY AND HEPATIC DISEASE 1; POLYCYSTIC KIDNEY DISEASE, INFANTILE, TYPE I; PKD3; Autosomal Recessive Polycystic Kidney Disease – PKHD1; POLYCYSTIC KIDNEY DISEASE 4 WITH OR WITHOUT POLYCYSTIC LIVER DISEASE. Identifiers: MedGen C4540575, MONDO:0033004, OMIM 263200.

Submission:

Molecular Genetics Department, Kulakov National Medical Research Center for Obstetrics, Gynecology and Perinatology
Classification: Likely pathogenic for Polycystic kidney disease 4. Last evaluated: 2023-04-20. Review status: criteria provided, single submitter. Criteria: ACMG Guidelines, 2015. Collection method: clinical testing. Allele origin: germline. Inheritance: Autosomal recessive inheritance. Affected: yes. Observed: 1 variant allele.
Comment: A heterozygous variant in the PKHD1 gene (6-51836414-T-TG) has been identified, resulting in a reading frame shift and impaired protein synthesis (p.Thr2722AsnfsTer10, NM_138694). Homozygous and compound heterozygous variants in the PKHD1 gene have been described in patients with OMIM: 263200, Polycystic kidney disease 4, with or without hepatic disease. The variant is not reported in the gnomAD control sample. The variant was identified in compound with another pathogenic variant (p.Arg3107Ter, NM_138694, rs786204688), however, cis- or trans-position was not verified. Based on the totality of the data, the variant should be considered as likely pathogenic.

NM_138694.4(PKHD1):c.8162dup (p.Thr2722fs)

Gene: PKHD1 (PKHD1 ciliary IPT domain containing fibrocystin/polyductin; minus strand). Cytogenetic location: 6p12.2.
Variant type: Duplication.
Coding change: c.8162dup on transcript NM_138694.4 (MANE Select); coding-DNA position 8162, one base duplicated (C; older notation c.8162dupC).
Protein change: p.Thr2722fs; shifts the reading frame from threonine 2722.
Molecular consequence: frameshift variant.
Genome position (GRCh38, 1-based): chr6:51,836,415, G duplicated on the plus strand (C on the coding strand, the reverse complement: PKHD1 is on the minus strand); the first of 5 consecutive G bases (chr6:51,836,415-51,836,419); duplicating any one gives the same sequence. VCF-style (leftmost placement, unchanged base first): chr6-51836414-T-TG. GRCh37 (hg19) VCF-style: chr6-51701212-T-TG.
Other names: c.8162dup, p.Thr2722fs (NM_170724.3); short protein forms T2722fs.
Identifiers: ClinVar variation 2578512 (VCV002578512.2), dbSNP rs1057516775, ClinGen allele CA2580617661.